The following is an entry in ClinVar:

NM_017777.4(MKS1):c.393_394del (p.Ser131_Asp132insTer)

Gene: MKS1 (MKS transition zone complex subunit 1; minus strand). Cytogenetic location: 17q22.
Variant type: Deletion.
Coding change: c.393_394del on transcript NM_017777.4 (MANE Select); coding-DNA positions 393 to 394, 2 bases deleted (TG; older notation c.393_394delTG).
Protein change: p.Ser131_Asp132insTer.
Molecular consequence: frameshift variant. On other transcripts: 5 prime UTR variant (1).
Genome position (GRCh38, 1-based): chr17:58,216,111-58,216,112, CA deleted on the plus strand (TG on the coding strand, the reverse complement: MKS1 is on the minus strand). VCF-style (leftmost placement, unchanged base first): chr17-58216110-TCA-T. GRCh37 (hg19) VCF-style: chr17-56293471-TCA-T.
Other names: c.-119_-118del (NM_001321268.2); c.393_394del, p.Ser131_Asp132insTer (NM_001321269.2, NM_001330397.2, NM_001411113.1).
Identifiers: ClinVar variation 5004714 (VCV005004714.1).

ClinVar aggregate classification (germline): Pathogenic (1 of 4 stars; one submission).

Conditions:
Ciliopathy. Also called: Ciliopathies. Identifiers: Orphanet 363250, MedGen C4277690, MONDO:0005308, MeSH D000072661.

Submission:

Myriad Genetics, Inc.
Classification: Pathogenic for Ciliopathy. Last evaluated: 2026-06-04. Review status: criteria provided, single submitter. Criteria: Myriad Autosomal Dominant, Autosomal Recessive and X-Linked Classification Criteria (2023). Collection method: clinical testing. Allele origin: unknown.
Comment: NM_017777.3(MKS1):c.393_394delTG(D132*) is a nonsense variant classified as pathogenic in the context of MKS1-related disorders. D132* has not been observed in cases with relevant disease. Relevant functional assessments of this variant are not available in the literature. D132* has not been observed in referenced population frequency databases. In summary, NM_017777.3(MKS1):c.393_394delTG(D132*) is a nonsense variant in a gene where loss of function is a known mechanism of disease and is predicted to disrupt protein function. Please note: this variant was assessed in the context of healthy population screening.